The following is an entry in ClinVar:

ClinVar aggregate classification (germline): Uncertain significance. Review status: criteria provided, multiple submitters, no conflicts (2 of 4 stars). 3 submissions from 3 submitters: Uncertain significance (3). Last evaluated 2025-11-17.

Conditions:
Dilated cardiomyopathy 1G (CMD1G). Identifiers: Orphanet 154, MedGen C1858763, MONDO:0011400, OMIM 604145.
Autosomal recessive limb-girdle muscular dystrophy type 2J (LGMDR10). Also called: Limb-girdle muscular dystrophy, type 2J; MUSCULAR DYSTROPHY, LIMB-GIRDLE, AUTOSOMAL RECESSIVE 10. Identifiers: Orphanet 140922, MedGen C1837342, MONDO:0012127, OMIM 608807.
Cardiovascular phenotype. Identifiers: MedGen CN230736.

Allele frequency attached by ClinVar (database versions not stated): gnomAD exomes below 0.00001; gnomAD 0.00001.
gnomAD v4.1: 2 of 1,602,500 alleles (0.00012%); highest among the groups gnomAD compares: African/African-American, 0.0027%; no homozygotes.

Submissions (3):

Ambry Genetics
Classification: Uncertain significance for Cardiovascular phenotype. Last evaluated: 2025-11-17. Review status: criteria provided, single submitter. Criteria: Ambry Variant Classification Scheme 2023. Collection method: clinical testing. Allele origin: germline.
Comment: The c.13528+3A>G intronic variant results from an A to G substitution 3 nucleotides after coding exon 48 in the TTN gene. This nucleotide position is highly conserved in available vertebrate species. In silico splice site analysis predicts that this alteration will not have any significant effect on splicing. Based on the available evidence, the clinical significance of this variant remains unclear.

Labcorp Genetics (formerly Invitae), Labcorp
Classification: Uncertain significance for Dilated cardiomyopathy 1G; Autosomal recessive limb-girdle muscular dystrophy type 2J. Last evaluated: 2025-08-20. Review status: criteria provided, single submitter. Criteria: Invitae Variant Classification Sherloc (09022015). Collection method: clinical testing. Allele origin: germline.
Comment: This sequence change falls in intron 221 of the TTN gene. It does not directly change the encoded amino acid sequence of the TTN protein. It affects a nucleotide within the consensus splice site. This variant is present in population databases (no rsID available, gnomAD 0.01%). This variant has not been reported in the literature in individuals affected with TTN-related conditions. ClinVar contains an entry for this variant (Variation ID: 961416). Variants that disrupt the consensus splice site are a relatively common cause of aberrant splicing (PMID: 17576681, 9536098). Algorithms developed to predict the effect of sequence changes on RNA splicing suggest that this variant may disrupt the consensus splice site. This variant is located in the I band of TTN (PMID: 25589632). Non-truncating variants in this region may be clinically relevant, but have not been definitively shown to cause cardiomyopathy or neuromuscular disease (PMID: 27493940, 32778822). In summary, the available evidence is currently insufficient to determine the role of this variant in disease. Therefore, it has been classified as a Variant of Uncertain Significance.

Women's Health and Genetics/Laboratory Corporation of America, LabCorp
Classification: Uncertain significance. Last evaluated: 2025-04-07. Review status: criteria provided, single submitter. Criteria: LabCorp Variant Classification Summary - May 2015. Collection method: clinical testing. Allele origin: germline.
Comment: Variant summary: TTN NM_133378 c.33019+3A>G, also kown as NM_001267550 c.40723+3A>G, alters a conserved nucleotide located close to a canonical splice site and therefore could affect mRNA splicing, leading to a significantly altered protein sequence. Several computational tools predict a significant impact on normal splicing: Two predict the variant abolishes the canonica 5' splicing donor site. Two predict the variant weakens the canonical 5' donor site. However, these predictions have yet to be confirmed by functional studies. The variant was absent in 239726 control chromosomes. The available data on variant occurrences in the general population are insufficient to allow any conclusion about variant significance. To our knowledge, no occurrence of c.33019+3A>G in individuals affected with Autosomal Recessive Titinopathy and no experimental evidence demonstrating its impact on protein function have been reported. ClinVar contains an entry for this variant (Variation ID: 961416). Based on the evidence outlined above, the variant was classified as uncertain significance.

Literature cited by the submitters: PubMed 17576681 (cited by Labcorp Genetics (formerly Invitae), Labcorp); PubMed 9536098 (cited by Labcorp Genetics (formerly Invitae), Labcorp); PubMed 25589632 (cited by Labcorp Genetics (formerly Invitae), Labcorp); PubMed 27493940 (cited by Labcorp Genetics (formerly Invitae), Labcorp); PubMed 32778822 (cited by Labcorp Genetics (formerly Invitae), Labcorp).

NM_001267550.2(TTN):c.40723+3A>G

Gene: TTN (titin; minus strand). Cytogenetic location: 2q31.2.
Variant type: single nucleotide variant.
Coding change: c.40723+3A>G on transcript NM_001267550.2 (MANE Select); 3 bases into the intron after coding-DNA position 40723, A replaced by G.
Molecular consequence: intron variant.
Genome position (GRCh38, 1-based): chr2:178,640,538, T>C on the plus strand (A>G on the coding strand, the complement: TTN is on the minus strand). VCF-style: chr2-178640538-T-C. GRCh37 (hg19) VCF-style: chr2-179505265-T-C.
Other names: c.13528+3A>G (NM_003319.4); c.14104+3A>G (NM_133437.4); c.13903+3A>G (NM_133432.3); c.33019+3A>G (NM_133378.4); c.35800+3A>G (NM_001256850.1).
Identifiers: ClinVar variation 961416 (VCV000961416.16), dbSNP rs1468033868, ClinGen allele CA538092020.